The following is an entry in ClinVar:

NM_014915.3(ANKRD26):c.1130T>C (p.Ile377Thr)

Gene: ANKRD26 (ankyrin repeat domain containing 26; minus strand). Cytogenetic location: 10p12.1.
Variant type: single nucleotide variant.
Coding change: c.1130T>C on transcript NM_014915.3 (MANE Select); coding-DNA position 1130, T replaced by C.
Protein change: p.Ile377Thr; replaces isoleucine 377 with threonine.
Molecular consequence: missense variant.
Genome position (GRCh38, 1-based): chr10:27,067,234, A>G on the plus strand (T>C on the coding strand, the complement: ANKRD26 is on the minus strand). VCF-style: chr10-27067234-A-G. GRCh37 (hg19) VCF-style: chr10-27356163-A-G.
Other names: c.1130T>C, p.Ile377Thr (NM_001256053.2); short protein forms I377T.
Identifiers: ClinVar variation 3870947 (VCV003870947.1).

ClinVar aggregate classification (germline): Uncertain significance (1 of 4 stars; one submission).

Conditions:
Inborn genetic diseases. Identifiers: MedGen C0950123, MeSH D030342.

gnomAD v4.1: 1 of 1,613,902 alleles (0.000062%); highest among the groups gnomAD compares: East Asian, 0.0022%; no homozygotes.

Submission:

Ambry Genetics
Classification: Uncertain significance for Inborn genetic diseases. Last evaluated: 2025-02-03. Review status: criteria provided, single submitter. Criteria: Ambry Variant Classification Scheme 2023. Collection method: clinical testing. Allele origin: germline.
Comment: The p.I377T variant (also known as c.1130T>C), located in coding exon 10 of the ANKRD26 gene, results from a T to C substitution at nucleotide position 1130. The isoleucine at codon 377 is replaced by threonine, an amino acid with similar properties. This amino acid position is conserved. In addition, this alteration is predicted to be tolerated by in silico analysis. Based on the available evidence, the clinical significance of this variant remains unclear.